The following is an entry in ClinVar:

NM_000492.4(CFTR):c.926C>G (p.Ala309Gly)

Gene: CFTR (CF transmembrane conductance regulator; plus strand). Cytogenetic location: 7q31.2.
Variant type: single nucleotide variant.
Coding change: c.926C>G on transcript NM_000492.4 (MANE Select); coding-DNA position 926, C replaced by G.
Protein change: p.Ala309Gly; replaces alanine 309 with glycine.
Molecular consequence: missense variant.
Genome position (GRCh38, 1-based): chr7:117,540,156, C>G. VCF-style: chr7-117540156-C-G. GRCh37 (hg19) VCF-style: chr7-117180210-C-G.
Other names: short protein forms A309G.
Identifiers: ClinVar variation 54086 (VCV000054086.24), dbSNP rs397508818, ClinGen allele CA327692.

ClinVar aggregate classification (germline): Conflicting classifications of pathogenicity. Review status: criteria provided, conflicting classifications (1 of 4 stars). 11 submissions from 11 submitters: Pathogenic (1); Likely pathogenic (3); Uncertain significance (4). 3 of the submissions do not count toward it. Last evaluated 2026-01-05.

Conditions:
CFTR-related disorder (CFTR-RD). Also called: CFTR-related condition; CFTR-related disorders. Identifiers: MedGen C5924204, MONDO:7770004.
Hereditary pancreatitis (PCTT). Also called: PRSS1-Related Hereditary Pancreatitis; Hereditary chronic pancreatitis. Identifiers: Orphanet 676, MedGen C0238339, MONDO:0008185, OMIM 167800.
Congenital bilateral aplasia of vas deferens from CFTR mutation (CBAVD). Identifiers: Orphanet 48, MedGen C0403814, MONDO:0010178, OMIM 277180. Disease mechanism: loss of function.
Bronchiectasis with or without elevated sweat chloride 1 (BESC1). Also called: Cystic Fibrosis-Like Syndrome. Identifiers: Orphanet 60033, MedGen C2749757, MONDO:0008887, OMIM 211400.
Cystic fibrosis (CF). Also called: MUCOVISCIDOSIS. Identifiers: Orphanet 586, MedGen C0010674, MONDO:0009061, OMIM 219700. Disease mechanism: loss of function.

Allele frequency attached by ClinVar (database versions not stated): ExAC 0.00004; gnomAD 0.00004; gnomAD exomes 0.00005; TOPMed 0.00005.

Submissions (11):

Women's Health and Genetics/Laboratory Corporation of America, LabCorp
Classification: Likely pathogenic for Congenital bilateral aplasia of vas deferens from CFTR mutation. Last evaluated: 2026-01-05. Review status: criteria provided, single submitter. Criteria: LabCorp Variant Classification Summary - May 2015. Collection method: clinical testing. Allele origin: germline.
Comment: Variant summary: CFTR c.926C>G (p.Ala309Gly) results in a non-conservative amino acid change in the encoded protein sequence. Algorithms developed to predict the effect of missense changes on protein structure and function all suggest that this variant is likely to be disruptive. The variant allele was found at a frequency of 4.8e-05 in 251076 control chromosomes. This frequency is not significantly higher than estimated for disease-causing variants in CFTR, allowing no conclusion about variant significance. c.926C>G has been observed in individuals affected with Congenital Absence Of The Vas Deferens or with clinical features of Cystic Fibrosis (e.g. Cartault_1998, Salvatore_2016, Yuan_2019, Wang_2020, Gaikwad_2020, Lu_2025). These data indicate that the variant is likely to be associated with disease. To our knowledge, no experimental evidence demonstrating an impact on protein function has been reported. The following publications have been ascertained in the context of this evaluation (PMID: 16596947, 9842999, 11504857, 34145097, 34931337, 32777524, 17020473, 34196078, 25735457, 26856987, 32020786, 30811104, 40065563). ClinVar contains an entry for this variant (Variation ID: 54086). Based on the evidence outlined above, the variant was classified as likely pathogenic.

Ambry Genetics
Classification: Uncertain significance for Cystic fibrosis. Last evaluated: 2025-08-26. Review status: criteria provided, single submitter. Criteria: Ambry Variant Classification Scheme 2023. Collection method: clinical testing. Allele origin: germline.
Comment: The p.A309G variant (also known as c.926C>G), located in coding exon 8 of the CFTR gene, results from a C to G substitution at nucleotide position 926. The alanine at codon 309 is replaced by glycine, an amino acid with similar properties. This alteration was identified in trans with p.F508del in an individual with elevated sweat chloride levels and pancreatic sufficiency (Salvatore D et al. Clin Genet, 2016 Aug;90:186-7). This amino acid position is well conserved in available vertebrate species. In addition, this alteration is predicted to be deleterious by in silico analysis. Since supporting evidence is limited at this time, the clinical significance of this alteration remains unclear.

Blueprint Genetics
Classification: Uncertain significance. Last evaluated: 2024-11-11. Review status: criteria provided, single submitter. Criteria: ACMG Guidelines, 2015. Collection method: clinical testing. Allele origin: germline.

Labcorp Genetics (formerly Invitae), Labcorp
Classification: Pathogenic for Cystic fibrosis. Last evaluated: 2024-02-24. Review status: criteria provided, single submitter. Criteria: Invitae Variant Classification Sherloc (09022015). Collection method: clinical testing. Allele origin: germline.
Comment: This sequence change replaces alanine, which is neutral and non-polar, with glycine, which is neutral and non-polar, at codon 309 of the CFTR protein (p.Ala309Gly). This variant is present in population databases (rs397508818, gnomAD 0.02%). This missense change has been observed in individual(s) with clinical features of CFTR-related conditions (PMID: 26856987, 30811104). In at least one individual the data is consistent with being in trans (on the opposite chromosome) from a pathogenic variant. ClinVar contains an entry for this variant (Variation ID: 54086). Advanced modeling of protein sequence and biophysical properties (such as structural, functional, and spatial information, amino acid conservation, physicochemical variation, residue mobility, and thermodynamic stability) performed at Invitae indicates that this missense variant is expected to disrupt CFTR protein function with a positive predictive value of 80%. For these reasons, this variant has been classified as Pathogenic.

Neuberg Centre For Genomic Medicine, NCGM
Classification: Likely pathogenic for Cystic fibrosis. Last evaluated: 2023-02-14. Review status: criteria provided, single submitter. Criteria: ACMG Guidelines, 2015. Collection method: clinical testing. Allele origin: germline. Inheritance: Autosomal recessive inheritance. Affected: yes.
Comment: The missense c.926C>G (p.Ala309Gly) variant in CFTR gene has been reported in compound heterozygous state in multiple individuals affected with cystic fibrosis (Ramalho AS, 2016; Salvatore D et al. 2016; Nectoux J, et al. 2006). The p.Ala309Gly variant has allele frequency 0.005% in gnomAD Exomes and is novel (not in any individuals) in 1000 Genomes. This variant has been reported to the ClinVar database as Pathogenic / Uncertain Significance. The amino acid change p.Ala309Gly in CFTR is predicted as conserved by GERP++ and PhyloP across 100 vertebrates. The amino acid Ala at position 309 is changed to a Gly changing protein sequence and it might alter its composition and physico-chemical properties. Functional studies are required to prove the pathogenicity for the variant, for these reasons, this variant has been classified as Likely Pathogenic.

Genome-Nilou Lab
Classification: Uncertain significance for Cystic fibrosis. Last evaluated: 2021-09-05. Review status: criteria provided, single submitter. Criteria: ACMG Guidelines, 2015. Collection method: clinical testing. Allele origin: germline. Affected: no.

Eurofins Ntd Llc (ga)
Classification: Uncertain significance. Last evaluated: 2017-11-14. Review status: criteria provided, single submitter. Criteria: EGL Classification Definitions 2015. Collection method: clinical testing. Allele origin: germline. Observed: 1 variant allele, 1 heterozygote.

Juno Genomics, Hangzhou Juno Genomics, Inc
Classification: Likely pathogenic for Bronchiectasis with or without elevated sweat chloride 1; Hereditary pancreatitis; Congenital bilateral aplasia of vas deferens from CFTR mutation; Cystic fibrosis. Review status: criteria provided, single submitter. Criteria: ACMG Guidelines, 2015. Collection method: clinical testing. Allele origin: germline. Affected: yes.
Comment: Absent from controls (or at extremely low frequency if recessive) in Genome Aggregation Database, Exome Sequencing Project, 1000 Genomes Project, or Exome Aggregation Consortium.;For recessive disorders, detected in trans with a pathogenic variant.;Patient's phenotype or family history is highly specific for a disease with a single genetic etiology.

Natera, Inc.
Classification: Uncertain significance for CFTR-related disorders. Last evaluated: 2021-04-14. Review status: no assertion criteria provided. Collection method: clinical testing. Allele origin: germline. Not counted in ClinVar's aggregate classification.

Counsyl
Classification: Uncertain significance for Cystic fibrosis. Last evaluated: 2017-12-28. Review status: no assertion criteria provided. Collection method: clinical testing. Allele origin: unknown. Not counted in ClinVar's aggregate classification.

ClinVar Staff, National Center for Biotechnology Information (NCBI)
No classification provided. Condition: CFTR-related disorders. Review status: no classification provided. Collection method: literature only. Allele origin: germline. Affected: yes. Not counted in ClinVar's aggregate classification.

Literature cited by the submitters: PubMed 17020473 (cited by Women's Health and Genetics/Laboratory Corporation of America, LabCorp and ClinVar Staff, National Center for Biotechnology Information (NCBI)); PubMed 16596947 (cited by Women's Health and Genetics/Laboratory Corporation of America, LabCorp); PubMed 9842999 (cited by Women's Health and Genetics/Laboratory Corporation of America, LabCorp and Counsyl); PubMed 11504857 (cited by Women's Health and Genetics/Laboratory Corporation of America, LabCorp); PubMed 25735457 (cited by Women's Health and Genetics/Laboratory Corporation of America, LabCorp); PubMed 26856987 (cited by 4 submitters); PubMed 30811104 (cited by Women's Health and Genetics/Laboratory Corporation of America, LabCorp and Labcorp Genetics (formerly Invitae), Labcorp); PubMed 32777524 (cited by Women's Health and Genetics/Laboratory Corporation of America, LabCorp); PubMed 34145097 (cited by Women's Health and Genetics/Laboratory Corporation of America, LabCorp); PubMed 34196078 (cited by Women's Health and Genetics/Laboratory Corporation of America, LabCorp); PubMed 32020786 (cited by Women's Health and Genetics/Laboratory Corporation of America, LabCorp); PubMed 34931337 (cited by Women's Health and Genetics/Laboratory Corporation of America, LabCorp); PubMed 40065563 (cited by Women's Health and Genetics/Laboratory Corporation of America, LabCorp).